The following is an entry in ClinVar:

NM_000053.4(ATP7B):c.1533G>C (p.Gln511His)

Gene: ATP7B (ATPase copper transporting beta; minus strand). Cytogenetic location: 13q14.3.
Variant type: single nucleotide variant.
Coding change: c.1533G>C on transcript NM_000053.4 (MANE Select); coding-DNA position 1533, G replaced by C.
Protein change: p.Gln511His; replaces glutamine 511 with histidine.
Molecular consequence: missense variant. On other transcripts: intron variant (1).
Genome position (GRCh38, 1-based): chr13:51,970,502, C>G on the plus strand (G>C on the coding strand, the complement: ATP7B is on the minus strand). VCF-style: chr13-51970502-C-G. GRCh37 (hg19) VCF-style: chr13-52544638-C-G.
Other names: c.1533G>C, p.Gln511His (NM_001406522.1, NM_001406523.1, NM_001406524.1 and 28 more transcripts); c.1437G>C, p.Gln479His (NM_001406530.1, NM_001406543.1, NM_001406544.1 and 3 more transcripts); c.1200G>C, p.Gln400His (NM_001243182.2); c.1285+3433G>C (NM_001406548.1); c.1104G>C, p.Gln368His (NM_001406539.1); short protein forms Q368H, Q400H, Q479H, Q511H.
Identifiers: ClinVar variation 4757263 (VCV004757263.1).

ClinVar aggregate classification (germline): Uncertain significance (1 of 4 stars; one submission).

Conditions:
Wilson disease (WND). Also called: Wilson's disease. Identifiers: Orphanet 905, MedGen C0019202, MONDO:0010200, OMIM 277900. Disease mechanism: loss of function.

gnomAD v4.1: 3 of 1,614,216 alleles (0.00019%); highest among the groups gnomAD compares: Admixed American, 0.0017%; no homozygotes.

Submission:

Color Diagnostics, LLC DBA Color Health
Classification: Uncertain significance for Wilson disease. Last evaluated: 2025-06-23. Review status: criteria provided, single submitter. Criteria: ACMG Guidelines, 2015. Collection method: clinical testing. Allele origin: germline.
Comment: This missense variant replaces glutamine with histidine at codon 511 of the ATP7B protein. Computational prediction suggests that this variant may not impact protein structure and function. To our knowledge, functional studies have not been reported for this variant. This variant has not been reported in individuals affected with ATP7B-related disorders in the literature. This variant has been identified in 1/248856 chromosomes in the general population by the Genome Aggregation Database (gnomAD). The available evidence is insufficient to determine the role of this variant in disease conclusively. Therefore, this variant is classified as a Variant of Uncertain Significance.